The following is an entry in ClinVar:

NM_001111125.3(IQSEC2):c.3388G>A (p.Gly1130Arg)

Gene: IQSEC2 (IQ motif and Sec7 domain ArfGEF 2; minus strand). Cytogenetic location: Xp11.22.
Variant type: single nucleotide variant.
Coding change: c.3388G>A on transcript NM_001111125.3 (MANE Select); coding-DNA position 3388, G replaced by A.
Protein change: p.Gly1130Arg; replaces glycine 1130 with arginine.
Molecular consequence: missense variant.
Genome position (GRCh38, 1-based): chrX:53,236,385, C>T on the plus strand (G>A on the coding strand, the complement: IQSEC2 is on the minus strand). VCF-style: chrX-53236385-C-T. GRCh37 (hg19) VCF-style: chrX-53265567-C-T.
Other names: c.3388G>A, p.Gly1130Arg (NM_001410736.1, NM_001441092.1); c.2890G>A, p.Gly964Arg (NM_001441093.1); c.2677G>A, p.Gly893Arg (NM_001441094.1, NM_001441095.1); c.2773G>A, p.Gly925Arg (NM_015075.2); short protein forms G1130R, G893R, G925R, G964R.
Identifiers: ClinVar variation 4888092 (VCV004888092.2).

ClinVar aggregate classification (germline): Uncertain significance (1 of 4 stars; one submission).

Submission:

GeneDx
Classification: Uncertain significance. Last evaluated: 2026-09-14. Review status: criteria provided, single submitter. Criteria: GeneDx Variant Classification Process June 2021. Collection method: clinical testing. Allele origin: germline.
Comment: Not observed at significant frequency in large population cohorts (gnomAD); In silico analysis suggests that this missense variant does not alter protein structure/function; Has not been previously published as pathogenic or benign to our knowledge